The following is an entry in ClinVar:

ClinVar aggregate classification (germline): Uncertain significance (1 of 4 stars; one submission).

Conditions:
Hereditary cancer-predisposing syndrome. Also called: Hereditary neoplastic syndrome; Tumor predisposition; Hereditary Cancer Syndrome; Neoplastic Syndromes, Hereditary. Identifiers: Orphanet 140162, MedGen C0027672, MeSH D009386, MONDO:0015356.

Submission:

Ambry Genetics
Classification: Uncertain significance for Hereditary cancer-predisposing syndrome. Last evaluated: 2023-09-14. Review status: criteria provided, single submitter. Criteria: Ambry Variant Classification Scheme 2023. Collection method: clinical testing. Allele origin: germline.
Comment: The p.T2495R variant (also known as c.7484C>G), located in coding exon 15 of the APC gene, results from a C to G substitution at nucleotide position 7484. The threonine at codon 2495 is replaced by arginine, an amino acid with similar properties. This amino acid position is conserved. In addition, in silico predictors for this gene do not accurately predict pathogenicity. Since supporting evidence is limited at this time, the clinical significance of this alteration remains unclear.

NM_000038.6(APC):c.7484C>G (p.Thr2495Arg)

Gene: APC (APC regulator of Wnt signaling pathway; plus strand). Cytogenetic location: 5q22.2.
Variant type: single nucleotide variant.
Coding change: c.7484C>G on transcript NM_000038.6 (MANE Select); coding-DNA position 7484, C replaced by G.
Protein change: p.Thr2495Arg; replaces threonine 2495 with arginine.
Molecular consequence: missense variant. On other transcripts: non-coding transcript variant (2).
Genome position (GRCh38, 1-based): chr5:112,843,078, C>G. VCF-style: chr5-112843078-C-G. GRCh37 (hg19) VCF-style: chr5-112178775-C-G.
Other names: c.7484C>G, p.Thr2495Arg (NM_001127510.3, NM_001354895.2, NM_001407450.1); c.7430C>G, p.Thr2477Arg (NM_001127511.3); c.7538C>G, p.Thr2513Arg (NM_001354896.2, NM_001407447.1, NM_001407448.1 and 1 more transcripts); c.7514C>G, p.Thr2505Arg (NM_001354897.2); c.7409C>G, p.Thr2470Arg (NM_001354898.2); c.7400C>G, p.Thr2467Arg (NM_001354899.2); c.7361C>G, p.Thr2454Arg (NM_001354900.2); c.7307C>G, p.Thr2436Arg (NM_001354901.2, NM_001407453.1); and 11 more; short protein forms T2454R, T2477R, T2485R, T2394R, T2467R, T2470R, T2513R, T2111R.
Identifiers: ClinVar variation 2587051 (VCV002587051.2), dbSNP rs1766490452, ClinGen allele CA16037610.
Genomic context (GRCh38, chr5:112,843,078, plus strand): 5'-CTAGGTCCCAGGCACAAACTCCAGTTTTAAGTCCTTCCCTTCCTGATATGTCTCTATCCA[C>G]ACATTCGTCTGTTCAGGCTGGTGGATGGCGAAAACTCCCACCTAATCTCAGTCCCACTAT-3'
Protein context (NP_000029.2, residues 2485-2505): SPSLPDMSLS[Thr2495Arg]HSSVQAGGWR